The following is an entry in ClinVar:

NM_001276345.2(TNNT2):c.419G>A (p.Arg140His)

Gene: TNNT2 (troponin T2, cardiac type; minus strand). Cytogenetic location: 1q32.1.
Variant type: single nucleotide variant.
Coding change: c.419G>A on transcript NM_001276345.2 (MANE Select); coding-DNA position 419, G replaced by A.
Protein change: p.Arg140His; replaces arginine 140 with histidine.
Molecular consequence: missense variant.
Genome position (GRCh38, 1-based): chr1:201,364,368, C>T on the plus strand (G>A on the coding strand, the complement: TNNT2 is on the minus strand). VCF-style: chr1-201364368-C-T. GRCh37 (hg19) VCF-style: chr1-201333496-C-T.
Other names: c.419G>A, p.Arg140His (NM_000364.4); c.389G>A, p.Arg130His (NM_001001430.3, NM_001001431.3, NM_001276347.2); c.374G>A, p.Arg125His (NM_001001432.3); c.299G>A, p.Arg100His (NM_001276346.2); short protein forms R125H, R100H, R140H, R130H.
Identifiers: ClinVar variation 919022 (VCV000919022.15), dbSNP rs1339922051, ClinGen allele CA344205960.
Genomic context (GRCh38, chr1:201,364,368, plus strand): 5'-TTCTGCCGCTCCTTCTCCCGCTCATTCCGGATGCGCTGCTGCTCGGCCCGCTCTGCCCGA[C>T]GTCTCTCCTAAGGAGAAGAGGCAAAGCCCACCCAGGTGTGCATAGGGAGAAGGTGACATC-3'
Protein context (NP_001263274.1, residues 130-150): LVSLKDRIER[Arg140His]RAERAEQQRI

ClinVar aggregate classification (germline): Conflicting classifications of pathogenicity. Review status: criteria provided, conflicting classifications (1 of 4 stars). 9 submissions from 7 submitters: Likely pathogenic (1); Uncertain significance (8). Last evaluated 2026-06-03.

Conditions:
Cardiovascular phenotype. Identifiers: MedGen CN230736.
Cardiomyopathy (CMYO). Also called: Cardiomyopathies. Identifiers: Orphanet 167848, MedGen C0878544, MONDO:0004994, HP:0001638. Inheritance: Various modes of inheritance.
Hypertrophic cardiomyopathy 2. Also called: TNNT2-Related Familial Hypertrophic Cardiomyopathy. Identifiers: MedGen C1861864, MONDO:0007266, OMIM 115195.
Dilated cardiomyopathy 1D. Identifiers: Orphanet 154, Orphanet 54260, MedGen C1832243, MONDO:0011095, OMIM 601494.
Cardiomyopathy, familial restrictive, 3. Identifiers: Orphanet 75249, MedGen C2676271, MONDO:0012900, OMIM 612422.

Allele frequency attached by ClinVar (database versions not stated): gnomAD exomes 0.00001.

Submissions (9):

GeneDx
Classification: Likely pathogenic. Last evaluated: 2026-06-03. Review status: criteria provided, single submitter. Criteria: GeneDx Variant Classification Process June 2021. Collection method: clinical testing. Allele origin: germline.
Comment: Not observed at significant frequency in large population cohorts (gnomAD); In silico analysis supports that this missense variant has a deleterious effect on protein structure/function; Has not been previously published as pathogenic or benign to our knowledge

Labcorp Genetics (formerly Invitae), Labcorp
Classification: Uncertain significance for Cardiomyopathy, familial restrictive, 3; Hypertrophic cardiomyopathy 2; Dilated cardiomyopathy 1D. Last evaluated: 2025-11-16. Review status: criteria provided, single submitter. Criteria: Invitae Variant Classification Sherloc (09022015). Collection method: clinical testing. Allele origin: germline.
Comment: This sequence change replaces arginine, which is basic and polar, with histidine, which is basic and polar, at codon 130 of the TNNT2 protein (p.Arg130His). The frequency data for this variant in the population databases is considered unreliable, as metrics indicate poor data quality at this position in the gnomAD database. This variant has not been reported in the literature in individuals affected with TNNT2-related conditions. ClinVar contains an entry for this variant (Variation ID: 919022). Invitae Evidence Modeling of protein sequence and biophysical properties (such as structural, functional, and spatial information, amino acid conservation, physicochemical variation, residue mobility, and thermodynamic stability) has been performed for this missense variant. However, the output from this modeling did not meet the statistical confidence thresholds required to predict the impact of this variant on TNNT2 protein function. This variant disrupts the p.Arg130 amino acid residue in TNNT2. Other variant(s) that disrupt this residue have been determined to be pathogenic (PMID: 14636924, 15563892, 17456375, 21310275, 23283745, 23494605, 25524337). This suggests that this residue is clinically significant, and that variants that disrupt this residue are likely to be disease-causing. In summary, the available evidence is currently insufficient to determine the role of this variant in disease. Therefore, it has been classified as a Variant of Uncertain Significance.

Genomic Medicine Center of Excellence, King Faisal Specialist Hospital and Research Centre
Classification: Uncertain significance for Dilated cardiomyopathy 1D. Last evaluated: 2025-09-10. Review status: criteria provided, single submitter. Criteria: ACMG Guidelines, 2015. Collection method: clinical testing. Allele origin: germline.

Color Diagnostics, LLC DBA Color Health
Classification: Uncertain significance for Cardiomyopathy. Last evaluated: 2025-08-11. Review status: criteria provided, single submitter. Criteria: ACMG Guidelines, 2015. Collection method: clinical testing. Allele origin: germline.
Comment: This missense variant replaces arginine with histidine at codon 130 of the TNNT2 protein. Computational prediction suggests that this variant may have deleterious impact on protein structure and function. To our knowledge, functional studies have not been reported for this variant. This variant has not been reported in individuals affected with TNNT2-related disorders in the literature. This variant has been identified in 3/249768 chromosomes in the general population by the Genome Aggregation Database (gnomAD). A different missense variant occurring at the same codon, p.Arg130Cyss, is known to be pathogenic (ClinVar variation ID 43636), indicating that arginine at this position is important for TNNT2 protein function. The available evidence is insufficient to determine the role of this variant in disease conclusively. Therefore, this variant is classified as a Variant of Uncertain Significance.

Ambry Genetics
Classification: Uncertain significance for Cardiovascular phenotype. Last evaluated: 2025-03-01. Review status: criteria provided, single submitter. Criteria: Ambry Variant Classification Scheme 2023. Collection method: clinical testing. Allele origin: germline.
Comment: The p.R130H variant (also known as c.389G>A), located in coding exon 9 of the TNNT2 gene, results from a G to A substitution at nucleotide position 389. The arginine at codon 130 is replaced by histidine, an amino acid with highly similar properties. This amino acid position is highly conserved in available vertebrate species. In addition, this alteration is predicted to be deleterious by in silico analysis. Based on the available evidence, the clinical significance of this variant remains unclear.

Genome-Nilou Lab
Classification: Uncertain significance for Dilated cardiomyopathy 1D. Last evaluated: 2023-04-11. Review status: criteria provided, single submitter. Criteria: ACMG Guidelines, 2015. Collection method: clinical testing. Allele origin: germline. Affected: no.

Genome-Nilou Lab
Classification: Uncertain significance for Cardiomyopathy, familial restrictive, 3. Last evaluated: 2023-04-11. Review status: criteria provided, single submitter. Criteria: ACMG Guidelines, 2015. Collection method: clinical testing. Allele origin: germline. Affected: no.

Genome-Nilou Lab
Classification: Uncertain significance for Hypertrophic cardiomyopathy 2. Last evaluated: 2023-04-11. Review status: criteria provided, single submitter. Criteria: ACMG Guidelines, 2015. Collection method: clinical testing. Allele origin: germline. Affected: no.

AiLife Diagnostics
Classification: Uncertain significance. Last evaluated: 2022-02-02. Review status: criteria provided, single submitter. Criteria: ACMG Guidelines, 2015. Collection method: clinical testing. Allele origin: germline. Affected: yes. Observed: 1 variant allele.

Literature cited by the submitters: PubMed 14636924 (cited by Labcorp Genetics (formerly Invitae), Labcorp); PubMed 15563892 (cited by Labcorp Genetics (formerly Invitae), Labcorp); PubMed 17456375 (cited by Labcorp Genetics (formerly Invitae), Labcorp); PubMed 21310275 (cited by Labcorp Genetics (formerly Invitae), Labcorp); PubMed 23283745 (cited by Labcorp Genetics (formerly Invitae), Labcorp); PubMed 23494605 (cited by Labcorp Genetics (formerly Invitae), Labcorp); PubMed 25524337 (cited by Labcorp Genetics (formerly Invitae), Labcorp).